The following is an entry in ClinVar:

NM_006516.4(SLC2A1):c.115-6C>T

Gene: SLC2A1 (solute carrier family 2 member 1; minus strand). Cytogenetic location: 1p34.2.
Variant type: single nucleotide variant.
Coding change: c.115-6C>T on transcript NM_006516.4 (MANE Select); 6 bases into the intron before coding-DNA position 115, C replaced by T.
Molecular consequence: intron variant.
Genome position (GRCh38, 1-based): chr1:42,931,212, G>A on the plus strand (C>T on the coding strand, the complement: SLC2A1 is on the minus strand). VCF-style: chr1-42931212-G-A. GRCh37 (hg19) VCF-style: chr1-43396883-G-A.
Identifiers: ClinVar variation 681399 (VCV000681399.1), dbSNP rs775423002, ClinGen allele CA522496970.
Genomic context (GRCh38, chr1:42,931,212, plus strand): 5'-GGATGCTCTCCCCATAGCGGTGGACCCATGTCTGGTTGTAGAACTCCTCGATCACCTGCA[G>A]GGGGAGATGCAGCCTGGGTGAGCAAGCCAGGGGCCAGGACCCAGTCTTCCTTTTCCTTTC-3'

ClinVar aggregate classification (germline): Likely benign (1 of 4 stars; one submission).

Allele frequency attached by ClinVar (database versions not stated): gnomAD exomes below 0.00001; TOPMed below 0.00001; gnomAD 0.00001.
gnomAD v4.1: 2 of 1,612,978 alleles (0.00012%); highest among the groups gnomAD compares: Non-Finnish European, 0.00017%; no homozygotes.

Submission:

GeneDx
Classification: Likely benign. Last evaluated: 2018-03-28. Review status: criteria provided, single submitter. Criteria: GeneDx Variant Classification (06012015). Collection method: clinical testing. Allele origin: germline. Affected: yes.
Comment: This variant is considered likely benign or benign based on one or more of the following criteria: it is a conservative change, it occurs at a poorly conserved position in the protein, it is predicted to be benign by multiple in silico algorithms, and/or has population frequency not consistent with disease.